The following is an entry in ClinVar:

NM_001035.3(RYR2):c.14112G>T (p.Lys4704Asn)

Gene: RYR2 (ryanodine receptor 2; plus strand). Cytogenetic location: 1q43.
Variant type: single nucleotide variant.
Coding change: c.14112G>T on transcript NM_001035.3 (MANE Select); coding-DNA position 14112, G replaced by T.
Protein change: p.Lys4704Asn; replaces lysine 4704 with asparagine.
Molecular consequence: missense variant.
Genome position (GRCh38, 1-based): chr1:237,801,877, G>T. VCF-style: chr1-237801877-G-T. GRCh37 (hg19) VCF-style: chr1-237965177-G-T.
Other names: short protein forms K4704N.
Identifiers: ClinVar variation 2989258 (VCV002989258.3), dbSNP rs2149419558, ClinGen allele CA345421103.
Genomic context (GRCh38, chr1:237,801,877, plus strand): 5'-ATGTGCATAACTACGCATTTTTTTTTTTTGTCATTGCAGACTGAACTCCATTGATGTGAA[G>T]TATCAGATGTGGAAACTAGGAGTCGTTTTCACTGACAACGTAAGCCTACTTCATTATCAC-3'
Protein context (NP_001026.2, residues 4694-4714): LSAVLNSIDV[Lys4704Asn]YQMWKLGVVF

ClinVar aggregate classification (germline): Uncertain significance (1 of 4 stars; one submission).

Conditions:
Catecholaminergic polymorphic ventricular tachycardia 1. Also called: RYR2-Related Catecholaminergic Polymorphic Ventricular Tachycardia; VENTRICULAR TACHYCARDIA, STRESS-INDUCED POLYMORPHIC 1; VENTRICULAR TACHYCARDIA, CATECHOLAMINERGIC POLYMORPHIC, 1, WITH OR WITHOUT ATRIAL DYSFUNCTION AND/OR DILATED CARDIOMYOPATHY. Identifiers: Orphanet 3286, MedGen C1631597, MONDO:0011484, OMIM 604772.

gnomAD v4.1: 3 of 1,597,744 alleles (0.00019%); highest among the groups gnomAD compares: Non-Finnish European, 0.00017%; no homozygotes.

Submission:

Labcorp Genetics (formerly Invitae), Labcorp
Classification: Uncertain significance for Catecholaminergic polymorphic ventricular tachycardia 1. Last evaluated: 2023-08-17. Review status: criteria provided, single submitter. Criteria: Invitae Variant Classification Sherloc (09022015). Collection method: clinical testing. Allele origin: germline.
Comment: In summary, the available evidence is currently insufficient to determine the role of this variant in disease. Therefore, it has been classified as a Variant of Uncertain Significance. Advanced modeling of protein sequence and biophysical properties (such as structural, functional, and spatial information, amino acid conservation, physicochemical variation, residue mobility, and thermodynamic stability) has been performed at Invitae for this missense variant, however the output from this modeling did not meet the statistical confidence thresholds required to predict the impact of this variant on RYR2 protein function. This variant has not been reported in the literature in individuals affected with RYR2-related conditions. This variant is not present in population databases (gnomAD no frequency). This sequence change replaces lysine, which is basic and polar, with asparagine, which is neutral and polar, at codon 4704 of the RYR2 protein (p.Lys4704Asn).